The following is an entry in ClinVar:

NM_201384.3(PLEC):c.6739A>G (p.Ile2247Val)

Gene: PLEC (plectin; minus strand). Cytogenetic location: 8q24.3.
Variant type: single nucleotide variant.
Coding change: c.6739A>G on transcript NM_201384.3 (MANE Select); coding-DNA position 6739, A replaced by G.
Protein change: p.Ile2247Val; replaces isoleucine 2247 with valine.
Molecular consequence: missense variant.
Genome position (GRCh38, 1-based): chr8:143,923,190, T>C on the plus strand (A>G on the coding strand, the complement: PLEC is on the minus strand). VCF-style: chr8-143923190-T-C. GRCh37 (hg19) VCF-style: chr8-144997358-T-C.
Other names: c.6820A>G, p.Ile2274Val (NM_000445.5); c.6697A>G, p.Ile2233Val (NM_201378.4); c.6673A>G, p.Ile2225Val (NM_201379.3); c.7150A>G, p.Ile2384Val (NM_201380.4); c.6643A>G, p.Ile2215Val (NM_201381.3); c.6739A>G, p.Ile2247Val (NM_201382.4); c.6751A>G, p.Ile2251Val (NM_201383.3); short protein forms I2215V, I2251V, I2225V, I2233V, I2247V, I2274V, I2384V.
Identifiers: ClinVar variation 1407915 (VCV001407915.8), dbSNP rs1554691577, ClinGen allele CA372532771.

ClinVar aggregate classification (germline): Uncertain significance (1 of 4 stars; one submission).

Conditions:
Epidermolysis bullosa simplex 5C, with pyloric atresia (EBS5C). Also called: Epidermolysis bullosa simplex with pyloric atresia; PLEC-Related Epidermolysis Bullosa with Pyloric Atresia; PLEC1-Related Epidermolysis Bullosa with Pyloric Atresia. Identifiers: Orphanet 158684, MedGen C2677349, MONDO:0012807, OMIM 612138.
Epidermolysis bullosa simplex with nail dystrophy (EBS5D). Identifiers: MedGen C4225309, MONDO:0014661, OMIM 616487.
Epidermolysis bullosa simplex 5B, with muscular dystrophy (EBS5B). Also called: Epidermolysis bullosa simplex with muscular dystrophy; EPIDERMOLYSIS BULLOSA SIMPLEX AND LIMB-GIRDLE MUSCULAR DYSTROPHY. Identifiers: Orphanet 257, MedGen C2931072, MONDO:0009181, OMIM 226670.
Autosomal recessive limb-girdle muscular dystrophy type 2Q (LGMDR17). Also called: MUSCULAR DYSTROPHY, LIMB-GIRDLE, AUTOSOMAL RECESSIVE 17. Identifiers: Orphanet 254361, MedGen C3150989, MONDO:0013390, OMIM 613723.
Epidermolysis bullosa simplex, Ogna type (EBS5A). Also called: Pidermolysis bullosa simplex 5A, Ogna type; EPIDERMOLYSIS BULLOSA SIMPLEX 5A, OGNA TYPE. Identifiers: Orphanet 79401, MedGen C0432317, MONDO:0007555, OMIM 131950.

Allele frequency attached by ClinVar (database versions not stated): gnomAD exomes below 0.00001.
gnomAD v4.1: 4 of 1,602,606 alleles (0.00025%); highest among the groups gnomAD compares: Non-Finnish European, 0.00034%; no homozygotes.

Submission:

Labcorp Genetics (formerly Invitae), Labcorp
Classification: Uncertain significance for Autosomal recessive limb-girdle muscular dystrophy type 2Q; Epidermolysis bullosa simplex, Ogna type; Epidermolysis bullosa simplex with nail dystrophy; Epidermolysis bullosa simplex 5C, with pyloric atresia; Epidermolysis bullosa simplex 5B, with muscular dystrophy. Last evaluated: 2021-02-21. Review status: criteria provided, single submitter. Criteria: Invitae Variant Classification Sherloc (09022015). Collection method: clinical testing. Allele origin: germline.
Comment: This variant is not present in population databases (ExAC no frequency). In summary, the available evidence is currently insufficient to determine the role of this variant in disease. Therefore, it has been classified as a Variant of Uncertain Significance. Algorithms developed to predict the effect of missense changes on protein structure and function (SIFT, PolyPhen-2, Align-GVGD) all suggest that this variant is likely to be disruptive, but these predictions have not been confirmed by published functional studies and their clinical significance is uncertain. This variant has not been reported in the literature in individuals with PLEC-related conditions. This sequence change replaces isoleucine with valine at codon 2274 of the PLEC protein (p.Ile2274Val). The isoleucine residue is highly conserved and there is a small physicochemical difference between isoleucine and valine.